The following is an entry in ClinVar:

ClinVar aggregate classification (germline): Uncertain significance. Review status: criteria provided, single submitter (1 of 4 stars). 2 submissions from 2 submitters: Uncertain significance (1). 1 of the submissions does not count toward it.

Conditions:
Myopathy, distal, 5 (MPD5). Also called: Adenylosuccinate synthetase-like 1-related distal myopathy. Identifiers: Orphanet 482601, MedGen C5567521, MONDO:0014877, OMIM 617030.

Submissions (2):

Neuberg Centre For Genomic Medicine, NCGM
Classification: Uncertain significance for Myopathy, distal, 5. Review status: criteria provided, single submitter. Criteria: ACMG Guidelines, 2015. Collection method: clinical testing. Allele origin: germline. Inheritance: Autosomal recessive inheritance. Affected: yes.
Comment: The observed missense c.794G>A p.Gly265Glu variant in ADSS1 gene has been reported previously in individuals affected with myopathy Saito et al., 2020. The p.Gly265Glu variant is absent in gnomAD Exomes. This variant has not been submitted to the ClinVar database. Multiple lines of computational evidence Polyphen - Probably Damaging, SIFT - Damaging and MutationTaster - Disease causing predict a damaging effect on protein structure and function for this variant. The reference amino acid of p.Gly265Glu in ADSS1 is predicted as conserved by GERP++ and PhyloP across 100 vertebrates. The amino acid Gly at position 265 is changed to a Glu changing protein sequence and it might alter its composition and physico-chemical properties. For these reasons, this variant has been classified as a Variant of Uncertain Significance VUS.

Solve-RD Consortium
Classification: Likely pathogenic for Myopathy, distal, 5. Last evaluated: 2022-06-01. Review status: no assertion criteria provided. Collection method: provider interpretation. Allele origin: inherited. Affected: yes. Not counted in ClinVar's aggregate classification.
Comment: Variant confirmed as disease-causing by referring clinical team

Variant identified during reanalysis of unsolved cases by the Solve-RD project. The Solve-RD project has received funding from the European Union’s Horizon 2020 research and innovation programme under grant agreement No 779257.

Literature cited by the submitters: PubMed 39825153 (cited by Solve-RD Consortium).

NM_152328.5(ADSS1):c.794G>A (p.Gly265Glu)

Gene: ADSS1 (adenylosuccinate synthase 1; plus strand). Cytogenetic location: 14q32.33.
Variant type: single nucleotide variant.
Coding change: c.794G>A on transcript NM_152328.5 (MANE Select); coding-DNA position 794, G replaced by A.
Protein change: p.Gly265Glu; replaces glycine 265 with glutamic acid.
Molecular consequence: missense variant.
Genome position (GRCh38, 1-based): chr14:104,741,848, G>A. VCF-style: chr14-104741848-G-A. GRCh37 (hg19) VCF-style: chr14-105208185-G-A.
Other names: c.179G>A, p.Gly60Glu (NM_001320424.1); c.923G>A, p.Gly308Glu (NM_199165.2); short protein forms G265E, G308E, G60E.
Identifiers: ClinVar variation 3256779 (VCV003256779.2).